The following is an entry in ClinVar:

ClinVar aggregate classification (germline): Uncertain significance. Review status: criteria provided, multiple submitters, no conflicts (2 of 4 stars). 2 submissions from 2 submitters: Uncertain significance (2). Last evaluated 2023-07-03.

Conditions:
Developmental and epileptic encephalopathy. Identifiers: MedGen C5779964, MONDO:0100620.

Allele frequency attached by ClinVar (database versions not stated): TOPMed below 0.00001.

Submissions (2):

GeneDx
Classification: Uncertain significance. Last evaluated: 2023-07-03. Review status: criteria provided, single submitter. Criteria: GeneDx Variant Classification Process June 2021. Collection method: clinical testing. Allele origin: germline. Affected: yes.
Comment: Not observed at significant frequency in large population cohorts (gnomAD); In silico analysis supports that this missense variant does not alter protein structure/function; Has not been previously published as pathogenic or benign to our knowledge

Labcorp Genetics (formerly Invitae), Labcorp
Classification: Uncertain significance for Early-infantile DEE. Last evaluated: 2021-08-24. Review status: criteria provided, single submitter. Criteria: Invitae Variant Classification Sherloc (09022015). Collection method: clinical testing. Allele origin: germline.

NM_021072.4(HCN1):c.2111G>A (p.Cys704Tyr)

Gene: HCN1 (hyperpolarization activated cyclic nucleotide gated potassium channel 1; minus strand). Cytogenetic location: 5p12.
Variant type: single nucleotide variant.
Coding change: c.2111G>A on transcript NM_021072.4 (MANE Select); coding-DNA position 2111, G replaced by A.
Protein change: p.Cys704Tyr; replaces cysteine 704 with tyrosine.
Molecular consequence: missense variant.
Genome position (GRCh38, 1-based): chr5:45,262,483, C>T on the plus strand (G>A on the coding strand, the complement: HCN1 is on the minus strand). VCF-style: chr5-45262483-C-T. GRCh37 (hg19) VCF-style: chr5-45262585-C-T.
Other names: short protein forms C704Y.
Identifiers: ClinVar variation 969624 (VCV000969624.7), dbSNP rs1293827335, ClinGen allele CA359704034.